The following is an entry in ClinVar:

ClinVar aggregate classification (germline): Benign (1 of 4 stars; one submission).

Conditions:
Ataxia-telangiectasia-like disorder 1 (ATLD1). Identifiers: Orphanet 251347, MedGen C4012790, MONDO:0024557, OMIM 604391.

Allele frequency attached by ClinVar (database versions not stated): gnomAD exomes 0.00155; gnomAD 0.00584 and 0.00616; TOPMed 0.00676; 1000 Genomes Project 0.00779; 1000 Genomes Project 30x 0.00828.
gnomAD v4.1: 1,018 of 231,982 alleles (0.44%); highest among the groups gnomAD compares: African/African-American, 1.9%; 15 homozygotes.

Submission:

Illumina Laboratory Services, Illumina
Classification: Benign for Ataxia-telangiectasia-like disorder 1. Last evaluated: 2018-01-13. Review status: criteria provided, single submitter. Criteria: ICSL Variant Classification Criteria 13 December 2019. Collection method: clinical testing. Allele origin: germline.
Comment: This variant was observed in the ICSL laboratory as part of a predisposition screen in an ostensibly healthy population. It had not been previously curated by ICSL or reported in the Human Gene Mutation Database (HGMD: prior to June 1st, 2018), and was therefore a candidate for classification through an automated scoring system. Utilizing variant allele frequency, disease prevalence and penetrance estimates, and inheritance mode, an automated score was calculated to assess if this variant is too frequent to cause the disease. Based on the score and internal cut-off values, a variant classified as benign is not then subjected to further curation. The score for this variant resulted in a classification of benign for this disease.

NM_005591.4(MRE11):c.*1083T>C

Gene: MRE11 (MRE11 homolog, double strand break repair nuclease; minus strand). Cytogenetic location: 11q21.
Variant type: single nucleotide variant.
Coding change: c.*1083T>C on transcript NM_005591.4 (MANE Select); 1083 bases downstream of the stop codon, T replaced by C.
Molecular consequence: 3 prime UTR variant.
Genome position (GRCh38, 1-based): chr11:94,419,042, A>G on the plus strand (T>C on the coding strand, the complement: MRE11 is on the minus strand). VCF-style: chr11-94419042-A-G. GRCh37 (hg19) VCF-style: chr11-94152208-A-G.
Other names: c.*1083T>C (NM_001330347.2, NM_005590.4).
Identifiers: ClinVar variation 306466 (VCV000306466.5), dbSNP rs118070493, ClinGen allele CA10631734.
Genomic context (GRCh38, chr11:94,419,042, plus strand): 5'-GTCGGGCCATTGTACTCCCAAGATGTATAACTTGAATTTTAAAGTAAAGCTGTCGCATAA[A>G]ACTAGAAGAAGGAATAATCTCAGGGATCTTTTTACAGAGGATTATAAAGAATGGGATTAT-3'